The following is an entry in ClinVar:

ClinVar aggregate classification (germline): Uncertain significance. Review status: criteria provided, single submitter (1 of 4 stars). 2 submissions from 2 submitters: Uncertain significance (1). 1 of the submissions does not count toward it. Last evaluated 2024-05-04.

Conditions:
Breast-ovarian cancer, familial, susceptibility to, 1 (BROVCA1). Also called: BRCA1 Hereditary Breast and Ovarian Cancer; OVARIAN CANCER, SUSCEPTIBILITY TO. Identifiers: Orphanet 145, MedGen C2676676, MONDO:0011450, OMIM 604370. Disease mechanism: loss of function.
Hereditary breast ovarian cancer syndrome. Also called: Hereditary breast and ovarian cancer; Hereditary breast and ovarian cancer syndrome (HBOC); BRCA1- and BRCA2-Associated Hereditary Breast and Ovarian Cancer; Hereditary breast and ovarian cancer syndrome; Breast and ovarian cancer; Hereditary breast and/or ovarian cancer syndrome. Identifiers: Orphanet 145, MedGen C0677776, MeSH D061325, MONDO:0003582. Disease mechanism: loss of function.

Submissions (2):

Labcorp Genetics (formerly Invitae), Labcorp
Classification: Uncertain significance for Hereditary breast ovarian cancer syndrome. Last evaluated: 2024-05-04. Review status: criteria provided, single submitter. Criteria: Invitae Variant Classification Sherloc (09022015). Collection method: clinical testing. Allele origin: germline.
Comment: This sequence change replaces serine, which is neutral and polar, with arginine, which is basic and polar, at codon 1180 of the BRCA1 protein (p.Ser1180Arg). This variant is not present in population databases (gnomAD no frequency). This variant has not been reported in the literature in individuals affected with BRCA1-related conditions. Advanced modeling of protein sequence and biophysical properties (such as structural, functional, and spatial information, amino acid conservation, physicochemical variation, residue mobility, and thermodynamic stability) performed at Invitae indicates that this missense variant is not expected to disrupt BRCA1 protein function with a negative predictive value of 95%. In summary, the available evidence is currently insufficient to determine the role of this variant in disease. Therefore, it has been classified as a Variant of Uncertain Significance.

BRCAlab, Lund University
Classification: Uncertain significance for Breast-ovarian cancer, familial, susceptibility to, 1. Last evaluated: 2020-03-02. Review status: no assertion criteria provided. Collection method: clinical testing. Allele origin: germline. Affected: yes. Not counted in ClinVar's aggregate classification.

NM_007294.4(BRCA1):c.3538A>C (p.Ser1180Arg)

Genes: BRCA1 (BRCA1 DNA repair associated; minus strand), LOC126862571 (BRD4-independent group 4 enhancer GRCh37_chr17:41243136-41244335; plus strand). Cytogenetic location: 17q21.31.
Variant type: single nucleotide variant.
Coding change: c.3538A>C on transcript NM_007294.4 (MANE Select); coding-DNA position 3538, A replaced by C.
Protein change: p.Ser1180Arg; replaces serine 1180 with arginine.
Molecular consequence: missense variant. On other transcripts: intron variant (135).
Genome position (GRCh38, 1-based): chr17:43,091,993, T>G on the plus strand (A>C on the coding strand, the complement: BRCA1 is on the minus strand). VCF-style: chr17-43091993-T-G. GRCh37 (hg19) VCF-style: chr17-41244010-T-G.
Other names: c.578-961A>C (NM_001408513.1, NM_001408481.1, NM_001408480.1 and 9 more transcripts); c.521-961A>C (NM_001408503.1, NM_001408505.1, NM_001408504.1); c.524-961A>C (NM_001408500.1, NM_001408497.1, NM_001408496.1 and 3 more transcripts); c.647-961A>C (NM_001408466.1, NM_001408452.1, NM_001408457.1 and 11 more transcripts); c.788-961A>C (NM_001407973.1, NM_001408404.1, NM_001408472.1 and 17 more transcripts); c.404-961A>C (NM_001408511.1); c.461-961A>C (NM_001408507.1, NM_001408506.1); c.545-961A>C (NM_001408495.1); and 41 more; short protein forms S1012R, S1052R, S1053R, S1068R, S1069R, S1091R, S1092R, S1109R.
Identifiers: ClinVar variation 2692275 (VCV002692275.3), dbSNP rs2154304950, ClinGen allele CA10594892.